The following is an entry in ClinVar:

ClinVar aggregate classification (germline): Pathogenic (1 of 4 stars; one submission).

Conditions:
PURA-related disorder. Also called: PURA-related condition.

Submission:

PreventionGenetics, part of Exact Sciences
Classification: Pathogenic for PURA-related condition. Last evaluated: 2023-09-12. Review status: criteria provided, single submitter. Criteria: ACMG Guidelines, 2015. Collection method: clinical testing. Allele origin: germline.
Comment: The PURA c.26_35del10 variant is predicted to result in a frameshift and premature protein termination (p.Glu9Valfs*66). To our knowledge, this variant has not been reported in the literature or in a large population database, indicating this variant is rare. Frameshift variants in PURA are expected to be pathogenic. This variant is interpreted as pathogenic.

NM_005859.5(PURA):c.26_35del (p.Glu9fs)

Gene: PURA (purine rich element binding protein A; plus strand). Cytogenetic location: 5q31.3.
Variant type: Deletion.
Coding change: c.26_35del on transcript NM_005859.5 (MANE Select); coding-DNA positions 26 to 35, 10 bases deleted (AGCAGGGTGG; older notation c.26_35delAGCAGGGTGG).
Protein change: p.Glu9fs; shifts the reading frame from glutamic acid 9.
Molecular consequence: frameshift variant.
Genome position (GRCh38, 1-based): chr5:140,114,207-140,114,216, AGCAGGGTGG deleted; deleting any 10 consecutive bases within chr5:140,114,206-140,114,216 gives the same sequence; the c. name uses the placement nearest the transcript's 3' end. VCF-style (leftmost placement, unchanged base first): chr5-140114205-CGAGCAGGGTG-C. GRCh37 (hg19) VCF-style: chr5-139493790-CGAGCAGGGTG-C.
Other names: c.26_35del10 (NM_005859.4); short protein forms E9fs.
Identifiers: ClinVar variation 2630910 (VCV002630910.1), dbSNP rs2479503562, ClinGen allele CA2695198760.